The following is an entry in ClinVar:

NM_018723.4(RBFOX1):c.770C>G (p.Pro257Arg)

Gene: RBFOX1 (RNA binding fox-1 homolog 1; plus strand). Cytogenetic location: 16p13.3.
Variant type: single nucleotide variant.
Coding change: c.770C>G on transcript NM_018723.4 (MANE Select); coding-DNA position 770, C replaced by G.
Protein change: p.Pro257Arg; replaces proline 257 with arginine.
Molecular consequence: missense variant.
Genome position (GRCh38, 1-based): chr16:7,653,827, C>G. VCF-style: chr16-7653827-C-G. GRCh37 (hg19) VCF-style: chr16-7703829-C-G.
Other names: c.689C>G, p.Pro230Arg (NM_001142333.2); c.770C>G, p.Pro257Arg (NM_001142334.2, NM_001364800.2); c.899C>G, p.Pro300Arg (NM_001308117.1, NM_001411047.1, NM_001415891.1 and 1 more transcripts); c.1367C>G, p.Pro456Arg (NM_001415887.1); c.1286C>G, p.Pro429Arg (NM_001415888.1); c.878C>G, p.Pro293Arg (NM_001415889.1, NM_001415892.1, NM_001415894.1 and 1 more transcripts); c.845C>G, p.Pro282Arg (NM_001415890.1, NM_001415893.1, NM_001415899.1 and 1 more transcripts); c.830C>G, p.Pro277Arg (NM_001415896.1, NM_001415904.1, NM_145891.3 and 2 more transcripts); and 12 more; short protein forms P226R, P242R, P282R, P429R, P251R, P259R, P277R, P456R.
Identifiers: ClinVar variation 2101099 (VCV002101099.4), dbSNP rs765695547, ClinGen allele CA394683521.

ClinVar aggregate classification (germline): Uncertain significance (1 of 4 stars; one submission).

Conditions:
Idiopathic generalized epilepsy. Also called: Generalised epilepsy; EIG. Identifiers: MedGen C0270850, MONDO:0005579, OMIM 600669.

Submission:

Labcorp Genetics (formerly Invitae), Labcorp
Classification: Uncertain significance for Idiopathic generalized epilepsy. Last evaluated: 2022-02-21. Review status: criteria provided, single submitter. Criteria: Invitae Variant Classification Sherloc (09022015). Collection method: clinical testing. Allele origin: germline.
Comment: This variant has not been reported in the literature in individuals affected with RBFOX1-related conditions. This variant is not present in population databases (gnomAD no frequency). This sequence change replaces proline, which is neutral and non-polar, with arginine, which is basic and polar, at codon 277 of the RBFOX1 protein (p.Pro277Arg). Algorithms developed to predict the effect of missense changes on protein structure and function are either unavailable or do not agree on the potential impact of this missense change (SIFT: "Tolerated"; PolyPhen-2: "Possibly Damaging"; Align-GVGD: "Class C0"). In summary, the available evidence is currently insufficient to determine the role of this variant in disease. Therefore, it has been classified as a Variant of Uncertain Significance.